The following is an entry in ClinVar:

ClinVar aggregate classification (germline): Pathogenic (1 of 4 stars; one submission).

Conditions:
Pheochromocytoma. Also called: MAX-Related Hereditary Paraganglioma-Pheochromocytoma Syndrome. Identifiers: Orphanet 29072, MedGen C0031511, MONDO:0008233, OMIM 171300, HP:0002666.
Gastrointestinal stromal tumor. Also called: Gastrointestinal stromal tumor, somatic; Gastrointestinal stroma tumor. Identifiers: Orphanet 44890, MedGen C0238198, MeSH D046152, MONDO:0011719, OMIM 606764, HP:0100723.
Pheochromocytoma/paraganglioma syndrome 4. Also called: CAROTID BODY TUMORS AND MULTIPLE EXTRAADRENAL PHEOCHROMOCYTOMAS; SDHB-Related Hereditary Paraganglioma-Pheochromocytoma Syndrome (Paragangliomas 4); Paragangliomas 4; SDHB-Related Hereditary Paraganglioma-Pheochromocytoma Syndrome; PARAGANGLIOMA, FAMILIAL MALIGNANT; PARAGANGLIOMAS, HEREDITARY EXTRAADRENAL. Identifiers: Orphanet 29072, MedGen C1861848, MONDO:0007273, OMIM 115310.

Submission:

Labcorp Genetics (formerly Invitae), Labcorp
Classification: Pathogenic for Gastrointestinal stromal tumor; Pheochromocytoma/paraganglioma syndrome 4; Pheochromocytoma. Last evaluated: 2024-08-06. Review status: criteria provided, single submitter. Criteria: Invitae Variant Classification Sherloc (09022015). Collection method: clinical testing. Allele origin: germline.
Comment: This sequence change replaces cysteine, which is neutral and slightly polar, with tyrosine, which is neutral and polar, at codon 186 of the SDHB protein (p.Cys186Tyr). This variant is not present in population databases (gnomAD no frequency). This missense change has been observed in individuals with paraganglioma (PMID: 17848412, 20208144, 31046099; Invitae). ClinVar contains an entry for this variant (Variation ID: 1066588). Advanced modeling of protein sequence and biophysical properties (such as structural, functional, and spatial information, amino acid conservation, physicochemical variation, residue mobility, and thermodynamic stability) performed at Invitae indicates that this missense variant is expected to disrupt SDHB protein function with a positive predictive value of 80%. This missense change is located in a region of the SDHB protein in which a significant number of missense variants have been reported (PMID: 17848412). These observations suggest that this may be a clinically significant region of the protein. For these reasons, this variant has been classified as Pathogenic.

Literature cited by the submitters: PubMed 17848412; PubMed 20208144; PubMed 31046099.

NM_003000.3(SDHB):c.557G>A (p.Cys186Tyr)

Gene: SDHB (succinate dehydrogenase complex iron sulfur subunit B; minus strand). Cytogenetic location: 1p36.13.
Variant type: single nucleotide variant.
Coding change: c.557G>A on transcript NM_003000.3 (MANE Select); coding-DNA position 557, G replaced by A.
Protein change: p.Cys186Tyr; replaces cysteine 186 with tyrosine.
Molecular consequence: missense variant.
Genome position (GRCh38, 1-based): chr1:17,024,058, C>T on the plus strand (G>A on the coding strand, the complement: SDHB is on the minus strand). VCF-style: chr1-17024058-C-T. GRCh37 (hg19) VCF-style: chr1-17350553-C-T.
Other names: short protein forms C186Y.
Identifiers: ClinVar variation 1066588 (VCV001066588.5), dbSNP rs1553177440, ClinGen allele CA338271379.